The following is an entry in ClinVar:

NM_001277115.2(DNAH11):c.5094+4A>G

Gene: DNAH11 (dynein axonemal heavy chain 11; plus strand). Cytogenetic location: 7p15.3.
Variant type: single nucleotide variant.
Coding change: c.5094+4A>G on transcript NM_001277115.2 (MANE Select); 4 bases into the intron after coding-DNA position 5094, A replaced by G.
Molecular consequence: intron variant.
Genome position (GRCh38, 1-based): chr7:21,655,985, A>G. VCF-style: chr7-21655985-A-G. GRCh37 (hg19) VCF-style: chr7-21695603-A-G.
Identifiers: ClinVar variation 580930 (VCV000580930.10), dbSNP rs769984539, ClinGen allele CA4180283.

ClinVar aggregate classification (germline): Uncertain significance. Review status: criteria provided, multiple submitters, no conflicts (2 of 4 stars). 2 submissions from 2 submitters: Uncertain significance (2). Last evaluated 2018-03-21.

Conditions:
Primary ciliary dyskinesia 7. Also called: CILIARY DYSKINESIA, PRIMARY, 7, WITH OR WITHOUT SITUS INVERSUS. Identifiers: Orphanet 244, MedGen C2678473, MONDO:0012748, OMIM 611884.
Primary ciliary dyskinesia. Also called: Ciliary dyskinesia. Identifiers: Orphanet 244, MedGen C0008780, MONDO:0016575, HP:0012265.

Allele frequency attached by ClinVar (database versions not stated): gnomAD exomes below 0.00001; ExAC 0.00001.
gnomAD v4.1: 2 of 1,586,150 alleles (0.00013%); highest among the groups gnomAD compares: Non-Finnish European, 0.00017%; no homozygotes.

Submissions (2):

Labcorp Genetics (formerly Invitae), Labcorp
Classification: Uncertain significance for Primary ciliary dyskinesia. Last evaluated: 2018-03-21. Review status: criteria provided, single submitter. Criteria: Invitae Variant Classification Sherloc (09022015). Collection method: clinical testing. Allele origin: germline.
Comment: This sequence change falls in intron 29 of the DNAH11 gene. It does not directly change the encoded amino acid sequence of the DNAH11 protein, but it affects a nucleotide within the consensus splice site of the intron. This variant is present in population databases (rs769984539, ExAC 0.002%). This variant has not been reported in the literature in individuals with DNAH11-related disease. Nucleotide substitutions within the consensus splice site are a relatively common cause of aberrant splicing (PMID: 17576681, 9536098). Algorithms developed to predict the effect of sequence changes on RNA splicing suggest that this variant may disrupt the consensus splice site, but this prediction has not been confirmed by published transcriptional studies. In summary, the available evidence is currently insufficient to determine the role of this variant in disease. Therefore, it has been classified as a Variant of Uncertain Significance.

Centre for Mendelian Genomics, University Medical Centre Ljubljana
Classification: Uncertain significance for Primary ciliary dyskinesia 7. Last evaluated: 2016-01-01. Review status: criteria provided, single submitter. Criteria: ACMG Guidelines, 2015. Collection method: clinical testing. Allele origin: unknown. Affected: yes.
Comment: This variant was classified as: Uncertain significance. The following ACMG criteria were applied in classifying this variant: PM2,PP3.

Literature cited by the submitters: PubMed 17576681 (cited by Labcorp Genetics (formerly Invitae), Labcorp); PubMed 9536098 (cited by Labcorp Genetics (formerly Invitae), Labcorp).